The following is an entry in ClinVar:

NM_005026.5(PIK3CD):c.597C>A (p.Ser199Arg)

Gene: PIK3CD (phosphatidylinositol-4,5-bisphosphate 3-kinase catalytic subunit delta; plus strand). Cytogenetic location: 1p36.22.
Variant type: single nucleotide variant.
Coding change: c.597C>A on transcript NM_005026.5 (MANE Select); coding-DNA position 597, C replaced by A.
Protein change: p.Ser199Arg; replaces serine 199 with arginine.
Molecular consequence: missense variant.
Genome position (GRCh38, 1-based): chr1:9,716,075, C>A. VCF-style: chr1-9716075-C-A. GRCh37 (hg19) VCF-style: chr1-9776133-C-A.
Other names: c.597C>A, p.Ser199Arg (NM_001350234.2, NM_001350235.1); short protein forms S199R.
Identifiers: ClinVar variation 2638190 (VCV002638190.24), dbSNP rs775810328, ClinGen allele CA338300955.

ClinVar aggregate classification (germline): Uncertain significance (1 of 4 stars; one submission).

Submission:

CeGaT Center for Human Genetics Tuebingen
Classification: Uncertain significance. Last evaluated: 2023-10-01. Review status: criteria provided, single submitter. Criteria: CeGaT Center For Human Genetics Tuebingen Variant Classification Criteria Version 2. Collection method: clinical testing. Allele origin: germline. Affected: yes. Observed: 1 variant allele.
Comment: PIK3CD: PM2